The following is an entry in ClinVar:

ClinVar aggregate classification (germline): Pathogenic (1 of 4 stars; one submission).

Conditions:
Infantile-onset ascending hereditary spastic paralysis (IAHSP). Also called: Autosomal Recessive Juvenile Amyotrophic Lateral Sclerosis; Infantile-Onset Ascending Hereditary Spastic Paralysis (IAHSP). Identifiers: Orphanet 293168, MedGen C2931441, MONDO:0011797, OMIM 607225. Disease mechanism: loss of function.

Submission:

Labcorp Genetics (formerly Invitae), Labcorp
Classification: Pathogenic for Infantile-onset ascending hereditary spastic paralysis. Last evaluated: 2024-03-13. Review status: criteria provided, single submitter. Criteria: Invitae Variant Classification Sherloc (09022015). Collection method: clinical testing. Allele origin: germline.
Comment: This sequence change creates a premature translational stop signal (p.Val289Tyrfs*7) in the ALS2 gene. It is expected to result in an absent or disrupted protein product. Loss-of-function variants in ALS2 are known to be pathogenic (PMID: 11586298, 24315819). This variant is not present in population databases (gnomAD no frequency). This variant has not been reported in the literature in individuals affected with ALS2-related conditions. ClinVar contains an entry for this variant (Variation ID: 1455318). For these reasons, this variant has been classified as Pathogenic.

Literature cited by the submitters: PubMed 11586298; PubMed 24315819.

NM_020919.4(ALS2):c.864del (p.Val289fs)

Gene: ALS2 (alsin Rho guanine nucleotide exchange factor ALS2; minus strand). Cytogenetic location: 2q33.1.
Variant type: Deletion.
Coding change: c.864del on transcript NM_020919.4 (MANE Select); coding-DNA position 864, one base deleted (A; older notation c.864delA).
Protein change: p.Val289fs; shifts the reading frame from valine 289.
Molecular consequence: frameshift variant.
Genome position (GRCh38, 1-based): chr2:201,761,130, T deleted on the plus strand (A on the coding strand, the reverse complement: ALS2 is on the minus strand); the first of 2 consecutive T bases (chr2:201,761,130-201,761,131); deleting either gives the same sequence. VCF-style (leftmost placement, unchanged base first): chr2-201761129-CT-C. GRCh37 (hg19) VCF-style: chr2-202625852-CT-C.
Other names: c.864del, p.Val289fs (NM_001135745.2); short protein forms V289fs.
Identifiers: ClinVar variation 1455318 (VCV001455318.6), dbSNP rs2106088185, ClinGen allele CA2573134347.
Genomic context (GRCh38, chr2:201,761,129, plus strand): 5'-TTACTGCATTCAGTTCAGTAGCAACAGACTGATCATTTGCTACAAGAGTGTTCTCAAATA[CT>C]TCTTCCTGCCTGTCAAGGGTTTCAGTGGAGGGGCTGAGAGCAGTGCTGGCATGGTTTTCT-3'